The following is an entry in ClinVar:

NM_033380.3(COL4A5):c.796C>G (p.Arg266Gly)

Gene: COL4A5 (collagen type IV alpha 5 chain; plus strand). Cytogenetic location: Xq22.3.
Variant type: single nucleotide variant.
Coding change: c.796C>G on transcript NM_033380.3 (MANE Select); coding-DNA position 796, C replaced by G.
Protein change: p.Arg266Gly; replaces arginine 266 with glycine.
Molecular consequence: missense variant.
Genome position (GRCh38, 1-based): chrX:108,580,548, C>G. VCF-style: chrX-108580548-C-G. GRCh37 (hg19) VCF-style: chrX-107823778-C-G.
Other names: c.796C>G, p.Arg266Gly (NM_000495.5); short protein forms R266G.
Identifiers: ClinVar variation 804592 (VCV000804592.13), dbSNP rs104886071, ClinGen allele CA10488571.

ClinVar aggregate classification (germline): Conflicting classifications of pathogenicity. Review status: criteria provided, conflicting classifications (1 of 4 stars). 4 submissions from 4 submitters: Uncertain significance (2); Likely benign (2). Last evaluated 2025-02-11.

Conditions:
X-linked Alport syndrome (ATS1). Also called: COL4A5-Related Nephropathy; NEPHROPATHY AND DEAFNESS, X-LINKED. Identifiers: Orphanet 63, Orphanet 88917, MedGen C4746986, MONDO:0010520, OMIM 301050.

Allele frequency attached by ClinVar (database versions not stated): TOPMed 0.00001; ExAC 0.00002; gnomAD exomes 0.00002 and 0.00003; gnomAD 0.00004.
gnomAD v4.1: 37 of 1,206,883 alleles (0.0031%); highest among the groups gnomAD compares: Non-Finnish European, 0.004%; no homozygotes.

Submissions (4):

Department of Clinical Genetics, Medical University of Lodz
Classification: Likely benign for X-linked Alport syndrome. Last evaluated: 2025-02-11. Review status: criteria provided, single submitter. Criteria: ACMG Guidelines, 2015. Collection method: clinical testing. Allele origin: germline. Inheritance: X-linked dominant inheritance. Affected: yes. Observed: 1 variant allele.

GeneDx
Classification: Uncertain significance. Last evaluated: 2024-02-27. Review status: criteria provided, single submitter. Criteria: GeneDx Variant Classification Process June 2021. Collection method: clinical testing. Allele origin: germline. Affected: yes.
Comment: In silico analysis supports that this missense variant has a deleterious effect on protein structure/function; Occurs in the triple helical domain at the Y position in the canonical Gly-X-Y repeat; although this variant may have an effect on normal protein folding and function, missense substitution at the Y position is not a common mechanism of disease; Has not been previously published as pathogenic or benign to our knowledge

Labcorp Genetics (formerly Invitae), Labcorp
Classification: Likely benign. Last evaluated: 2023-12-18. Review status: criteria provided, single submitter. Criteria: Invitae Variant Classification Sherloc (09022015). Collection method: clinical testing. Allele origin: germline.

Athena Diagnostics
Classification: Uncertain significance. Last evaluated: 2019-05-14. Review status: criteria provided, single submitter. Criteria: Athena Diagnostics Criteria. Collection method: clinical testing. Allele origin: germline.

Literature cited by the submitters: DOI 10.1038/s41598-022-14928-x (cited by Department of Clinical Genetics, Medical University of Lodz).